The following is an entry in ClinVar:

ClinVar aggregate classification (germline): Uncertain significance (1 of 4 stars; one submission).

Conditions:
Charcot-Marie-Tooth disease axonal type 2P. Also called: CHARCOT-MARIE-TOOTH DISEASE, AXONAL, TYPE 2G; CMT 2G; CHARCOT-MARIE-TOOTH NEUROPATHY, TYPE 2P; Charcot-Marie-Tooth Neuropathy Type 2G. Identifiers: Orphanet 300319, Orphanet 99941, MedGen C3280797, MONDO:0013753, OMIM 614436.

Submission:

Labcorp Genetics (formerly Invitae), Labcorp
Classification: Uncertain significance for Charcot-Marie-Tooth disease axonal type 2P. Last evaluated: 2020-06-15. Review status: criteria provided, single submitter. Criteria: Invitae Variant Classification Sherloc (09022015). Collection method: clinical testing. Allele origin: germline.
Comment: This sequence change replaces aspartic acid with asparagine at codon 31 of the LRSAM1 protein (p.Asp31Asn). The aspartic acid residue is highly conserved and there is a small physicochemical difference between aspartic acid and asparagine. In summary, the available evidence is currently insufficient to determine the role of this variant in disease. Therefore, it has been classified as a Variant of Uncertain Significance. Algorithms developed to predict the effect of missense changes on protein structure and function are either unavailable or do not agree on the potential impact of this missense change (SIFT: "Deleterious"; PolyPhen-2: "Probably Damaging"; Align-GVGD: "Class C0"). This variant has not been reported in the literature in individuals with LRSAM1-related disease. This variant is not present in population databases (ExAC no frequency).

NM_001005373.4(LRSAM1):c.91G>A (p.Asp31Asn)

Gene: LRSAM1 (leucine rich repeat and sterile alpha motif containing 1; plus strand). Cytogenetic location: 9q33.3.
Variant type: single nucleotide variant.
Coding change: c.91G>A on transcript NM_001005373.4 (MANE Select); coding-DNA position 91, G replaced by A.
Protein change: p.Asp31Asn; replaces aspartic acid 31 with asparagine.
Molecular consequence: missense variant. On other transcripts: 5 prime UTR variant (1), non-coding transcript variant (2).
Genome position (GRCh38, 1-based): chr9:127,455,016, G>A. VCF-style: chr9-127455016-G-A. GRCh37 (hg19) VCF-style: chr9-130217295-G-A.
Other names: c.91G>A, p.Asp31Asn (NM_001005374.4, NM_001190723.3, NM_001384142.1 and 2 more transcripts); c.-694G>A (NM_001384144.1); short protein forms D31N.
Identifiers: ClinVar variation 573340 (VCV000573340.8), dbSNP rs1564248731, ClinGen allele CA374961803.